The following is an entry in ClinVar:

ClinVar aggregate classification (germline): Uncertain significance (1 of 4 stars; one submission).

Conditions:
Cardiovascular phenotype. Identifiers: MedGen CN230736.

gnomAD v4.1: 2 of 1,614,092 alleles (0.00012%); highest among the groups gnomAD compares: Non-Finnish European, 0.00017%; no homozygotes.

Submission:

Ambry Genetics
Classification: Uncertain significance for Cardiovascular phenotype. Last evaluated: 2026-07-01. Review status: criteria provided, single submitter. Criteria: Ambry Variant Classification Scheme 2023. Collection method: clinical testing. Allele origin: germline.
Comment: The p.S1473F variant (also known as c.4418C>T), located in coding exon 26 of the APOB gene, results from a C to T substitution at nucleotide position 4418. The serine at codon 1473 is replaced by phenylalanine, an amino acid with highly dissimilar properties. This amino acid position is conserved. In addition, this alteration is predicted to be tolerated by in silico analysis. Based on the available evidence, the clinical significance of this variant remains unclear.

NM_000384.3(APOB):c.4418C>T (p.Ser1473Phe)

Gene: APOB (apolipoprotein B; minus strand). Cytogenetic location: 2p24.1.
Variant type: single nucleotide variant.
Coding change: c.4418C>T on transcript NM_000384.3 (MANE Select); coding-DNA position 4418, C replaced by T.
Protein change: p.Ser1473Phe; replaces serine 1473 with phenylalanine.
Molecular consequence: missense variant.
Genome position (GRCh38, 1-based): chr2:21,012,450, G>A on the plus strand (C>T on the coding strand, the complement: APOB is on the minus strand). VCF-style: chr2-21012450-G-A. GRCh37 (hg19) VCF-style: chr2-21235322-G-A.
Other names: short protein forms S1473F.
Identifiers: ClinVar variation 5026577 (VCV005026577.1).